The following is an entry in ClinVar:

NM_000466.3(PEX1):c.1156G>C (p.Val386Leu)

Gene: PEX1 (peroxisomal biogenesis factor 1; minus strand). Cytogenetic location: 7q21.2.
Variant type: single nucleotide variant.
Coding change: c.1156G>C on transcript NM_000466.3 (MANE Select); coding-DNA position 1156, G replaced by C.
Protein change: p.Val386Leu; replaces valine 386 with leucine.
Molecular consequence: missense variant.
Genome position (GRCh38, 1-based): chr7:92,517,359, C>G on the plus strand (G>C on the coding strand, the complement: PEX1 is on the minus strand). VCF-style: chr7-92517359-C-G. GRCh37 (hg19) VCF-style: chr7-92146673-C-G.
Other names: c.1156G>C, p.Val386Leu (NM_001282677.2); c.532G>C, p.Val178Leu (NM_001282678.2); short protein forms V386L, V178L.
Identifiers: ClinVar variation 1368830 (VCV001368830.8), dbSNP rs2116242910, ClinGen allele CA368197698.

ClinVar aggregate classification (germline): Uncertain significance (1 of 4 stars; one submission).

Conditions:
Zellweger spectrum disorders (ZS). Also called: Zellweger Spectrum Disorder (ZSD); Zellweger syndrome; Zellweger Spectrum Disorder; Zellweger Spectrum. Identifiers: Orphanet 912, MedGen C0043459, MONDO:0019609.

Submission:

Labcorp Genetics (formerly Invitae), Labcorp
Classification: Uncertain significance for Zellweger spectrum disorders. Last evaluated: 2024-01-17. Review status: criteria provided, single submitter. Criteria: Invitae Variant Classification Sherloc (09022015). Collection method: clinical testing. Allele origin: germline.
Comment: This sequence change replaces valine, which is neutral and non-polar, with leucine, which is neutral and non-polar, at codon 386 of the PEX1 protein (p.Val386Leu). This variant is not present in population databases (gnomAD no frequency). This variant has not been reported in the literature in individuals affected with PEX1-related conditions. ClinVar contains an entry for this variant (Variation ID: 1368830). Advanced modeling of protein sequence and biophysical properties (such as structural, functional, and spatial information, amino acid conservation, physicochemical variation, residue mobility, and thermodynamic stability) performed at Invitae indicates that this missense variant is not expected to disrupt PEX1 protein function with a negative predictive value of 80%. In summary, the available evidence is currently insufficient to determine the role of this variant in disease. Therefore, it has been classified as a Variant of Uncertain Significance.